The following is an entry in ClinVar:

NM_001098426.2(SMARCD2):c.763_764insAGAAGATGTTGTTATACTGTATTATGGCTGATTTTCTTTTTAATATATTTAGCCAAGTGATGCACTTTATGNNNNNNNNNNAAAAAAAAAAAAAAAAAAAAAAGA (p.Lys254_Ser255insLysLysMetLeuLeuTyrCysIleMetAlaAspPheLeuPheAsnIlePheSerGlnValMetHisPheMetXaaXaaXaaXaaLysLysLysLysLysLysLys)

Gene: SMARCD2 (SWI/SNF related BAF chromatin remodeling complex subunit D2; minus strand). Cytogenetic location: 17q23.3.
Variant type: Insertion.
Coding change: c.763_764insAGAAGATGTTGTTATACTGTATTATGGCTGATTTTCTTTTTAATATATTTAGCCAAGTGATGCACTTTATGNNNNNNNNNNAAAAAAAAAAAAAAAAAAAAAAGA on transcript NM_001098426.2 (MANE Select); coding-DNA positions 763 to 764, AGAAGATGTTGTTATACTGTATTATGGCTGATTTTCTTTTTAATATATTTAGCCAAGTGATGCACTTTATGNNNNNNNNNNAAAAAAAAAAAAAAAAAAAAAAGA inserted.
Protein change: p.Lys254_Ser255insLysLysMetLeuLeuTyrCysIleMetAlaAspPheLeuPheAsnIlePheSerGlnValMetHisPheMetXaaXaaXaaXaaLysLysLysLysLysLysLys.
Molecular consequence: inframe insertion.
Genome position: GRCh38: chr17:63,834,764-63,834,765. GRCh37 (hg19): chr17:61,912,124-61,912,125.
Other names: c.538_539insAGAAGATGTTGTTATACTGTATTATGGCTGATTTTCTTTTTAATATATTTAGCCAAGTGATGCACTTTATGNNNNNNNNNNAAAAAAAAAAAAAAAAAAAAAAGA, p.Lys179_Ser180insLysLysMetLeuLeuTyrCysIleMetAlaAspPheLeuPheAsnIlePheSerGlnValMetHisPheMetXaaXaaXaaXaaLysLysLysLysLysLysLys (NM_001330439.1); c.619_620insAGAAGATGTTGTTATACTGTATTATGGCTGATTTTCTTTTTAATATATTTAGCCAAGTGATGCACTTTATGNNNNNNNNNNAAAAAAAAAAAAAAAAAAAAAAGA, p.Lys206_Ser207insLysLysMetLeuLeuTyrCysIleMetAlaAspPheLeuPheAsnIlePheSerGlnValMetHisPheMetXaaXaaXaaXaaLysLysLysLysLysLysLys (NM_001330440.2).
Identifiers: ClinVar variation 4730229 (VCV004730229.1).

ClinVar aggregate classification (germline): Pathogenic (1 of 4 stars; one submission).

Submission:

Labcorp Genetics (formerly Invitae), Labcorp
Classification: Pathogenic. Last evaluated: 2025-10-29. Review status: criteria provided, single submitter. Criteria: Invitae Variant Classification Sherloc (09022015). Collection method: clinical testing. Allele origin: germline.
Comment: This sequence change inserts a large fragment of DNA, likely a transposable element, in exon 6 of the SMARCD2 gene (c.763_764ins?), causing a frameshift at codon 255 (p.Ser255fs). The exact size and sequence of the insertion cannot be determined by the current assay. However, the insertion is expected to result in an absent or disrupted protein product. This variant is not present in population databases (gnomAD no frequency). This variant has not been reported in the literature in individuals affected with SMARCD2-related conditions. Retrotransposon insertions including LINE1 (L1), Alu, and SVA (SINE-VNTR-Alu) have been reported to be disease-causing through disruption of either a coding region or splice site (PMID: 19763152, 20307669, 22406018) and loss-of-function variants in SMARCD2 are known to be pathogenic (PMID: 28369036). For these reasons, this variant has been classified as Pathogenic.

Literature cited by the submitters: PubMed 19763152; PubMed 20307669; PubMed 22406018; PubMed 28369036.